The following is an entry in ClinVar:

NM_001378609.3(OTOGL):c.5373T>A (p.Asp1791Glu)

Gene: OTOGL (otogelin like; plus strand). Cytogenetic location: 12q21.31.
Variant type: single nucleotide variant.
Coding change: c.5373T>A on transcript NM_001378609.3 (MANE Select); coding-DNA position 5373, T replaced by A.
Protein change: p.Asp1791Glu; replaces aspartic acid 1791 with glutamic acid.
Molecular consequence: missense variant.
Genome position (GRCh38, 1-based): chr12:80,352,402, T>A. VCF-style: chr12-80352402-T-A. GRCh37 (hg19) VCF-style: chr12-80746182-T-A.
Other names: c.5238T>A, p.Asp1746Glu (NM_001368062.3); c.5373T>A, p.Asp1791Glu (NM_001378610.3, NM_173591.7); short protein forms D1746E, D1791E.
Identifiers: ClinVar variation 4690567 (VCV004690567.1).

ClinVar aggregate classification (germline): Uncertain significance (1 of 4 stars; one submission).

gnomAD v4.1: 106 of 1,611,994 alleles (0.0066%); highest among the groups gnomAD compares: Non-Finnish European, 0.00085%; no homozygotes.

Submission:

Labcorp Genetics (formerly Invitae), Labcorp
Classification: Uncertain significance. Last evaluated: 2025-12-01. Review status: criteria provided, single submitter. Criteria: Invitae Variant Classification Sherloc (09022015). Collection method: clinical testing. Allele origin: germline.
Comment: This sequence change replaces aspartic acid, which is acidic and polar, with glutamic acid, which is acidic and polar, at codon 1782 of the OTOGL protein (p.Asp1782Glu). This variant is present in population databases (rs376180190, gnomAD 0.2%). This variant has not been reported in the literature in individuals affected with OTOGL-related conditions. An algorithm developed to predict the effect of missense changes on protein structure and function (PolyPhen-2) suggests that this variant is likely to be tolerated. In summary, the available evidence is currently insufficient to determine the role of this variant in disease. Therefore, it has been classified as a Variant of Uncertain Significance.